The following is an entry in ClinVar:

ClinVar aggregate classification (germline): Uncertain significance (1 of 4 stars; one submission).

Submission:

GeneDx
Classification: Uncertain significance. Last evaluated: 2026-03-20. Review status: criteria provided, single submitter. Criteria: GeneDx Variant Classification Process June 2021. Collection method: clinical testing. Allele origin: germline.
Comment: Not observed at significant frequency in large population cohorts (gnomAD); In silico analysis supports that this missense variant has a deleterious effect on protein structure/function; Has not been previously published as pathogenic or benign to our knowledge; Located in one of the three hot-spot regions of the RYR2 gene, where the majority of pathogenic missense variants occur (PMID: 19926015); This variant is associated with the following publications: (PMID: 19926015)

NM_001035.3(RYR2):c.626A>G (p.Gln209Arg)

Gene: RYR2 (ryanodine receptor 2; plus strand). Cytogenetic location: 1q43.
Variant type: single nucleotide variant.
Coding change: c.626A>G on transcript NM_001035.3 (MANE Select); coding-DNA position 626, A replaced by G.
Protein change: p.Gln209Arg; replaces glutamine 209 with arginine.
Molecular consequence: missense variant.
Genome position (GRCh38, 1-based): chr1:237,387,330, A>G. VCF-style: chr1-237387330-A-G. GRCh37 (hg19) VCF-style: chr1-237550630-A-G.
Other names: short protein forms Q209R.
Identifiers: ClinVar variation 5009324 (VCV005009324.1).